The following is an entry in ClinVar:

ClinVar aggregate classification (germline): Uncertain significance (1 of 4 stars; one submission).

Conditions:
Alstrom syndrome (ALMS). Identifiers: Orphanet 64, MedGen C0268425, MONDO:0008763, OMIM 203800.

Submission:

Labcorp Genetics (formerly Invitae), Labcorp
Classification: Uncertain significance for Alstrom syndrome. Last evaluated: 2023-08-04. Review status: criteria provided, single submitter. Criteria: Invitae Variant Classification Sherloc (09022015). Collection method: clinical testing. Allele origin: germline.
Comment: Experimental studies and prediction algorithms are not available or were not evaluated, and the functional significance of this variant is currently unknown. In summary, the available evidence is currently insufficient to determine the role of this variant in disease. Therefore, it has been classified as a Variant of Uncertain Significance. ClinVar contains an entry for this variant (Variation ID: 1906707). This variant has not been reported in the literature in individuals affected with ALMS1-related conditions. This variant is not present in population databases (gnomAD no frequency). This sequence change replaces aspartic acid, which is acidic and polar, with glutamic acid, which is acidic and polar, at codon 2979 of the ALMS1 protein (p.Asp2979Glu).

NM_001378454.1(ALMS1):c.8934C>A (p.Asp2978Glu)

Gene: ALMS1 (ALMS1 centrosome and basal body associated protein; plus strand). Cytogenetic location: 2p13.1.
Variant type: single nucleotide variant.
Coding change: c.8934C>A on transcript NM_001378454.1 (MANE Select); coding-DNA position 8934, C replaced by A.
Protein change: p.Asp2978Glu; replaces aspartic acid 2978 with glutamic acid.
Molecular consequence: missense variant.
Genome position (GRCh38, 1-based): chr2:73,490,893, C>A. VCF-style: chr2-73490893-C-A. GRCh37 (hg19) VCF-style: chr2-73718020-C-A.
Other names: c.8937C>A, p.Asp2979Glu (NM_015120.4); short protein forms D2978E, D2979E.
Identifiers: ClinVar variation 1906707 (VCV001906707.5), dbSNP rs1672969277, ClinGen allele CA347271683.